The following is an entry in ClinVar:

NM_182961.4(SYNE1):c.*182G>A

Genes: ESR1 (estrogen receptor 1; plus strand), SYNE1 (spectrin repeat containing nuclear envelope protein 1; minus strand). Cytogenetic location: 6q25.2.
Variant type: single nucleotide variant.
Coding change: c.*182G>A on transcript NM_182961.4 (MANE Select); 182 bases downstream of the stop codon, G replaced by A.
Molecular consequence: 3 prime UTR variant. On other transcripts: intron variant (1).
Genome position (GRCh38, 1-based): chr6:152,122,254, C>T on the plus strand (G>A on the coding strand, the complement: SYNE1 is on the minus strand). VCF-style: chr6-152122254-C-T. GRCh37 (hg19) VCF-style: chr6-152443389-C-T.
Other names: c.*387G>A (NM_001347701.2); c.*182G>A (NM_001347702.2, NM_033071.5); c.851-3012C>T (NM_001328100.2).
Identifiers: ClinVar variation 355803 (VCV000355803.9), dbSNP rs12681, ClinGen allele CA10621662.

ClinVar aggregate classification (germline): Benign. Review status: criteria provided, multiple submitters, no conflicts (2 of 4 stars). 3 submissions from 2 submitters: Benign (3). Last evaluated 2018-06-18.

Conditions:
Emery-Dreifuss muscular dystrophy 4, autosomal dominant (EDMD4). Also called: EMERY-DREIFUSS MUSCULAR DYSTROPHY 4 WITH VARIABLE FEATURES. Identifiers: Orphanet 261, MedGen C2751807, MONDO:0013071, OMIM 612998.
Autosomal recessive ataxia, Beauce type. Also called: Spinocerebellar ataxia, autosomal recessive 8; SYNE1 Deficiency; ATAXIA, RECESSIVE, OF BEAUCE; SYNE1-Related Autosomal Recessive Cerebellar Ataxia. Identifiers: Orphanet 88644, MedGen C1853116, MONDO:0012549, OMIM 610743.

Allele frequency attached by ClinVar (database versions not stated): TOPMed 0.23113; gnomAD 0.23624; 1000 Genomes Project 0.19589; 1000 Genomes Project 30x 0.19675; gnomAD exomes 0.19883.
gnomAD v4.1: 178,784 of 873,974 alleles (20%); highest among the groups gnomAD compares: African/African-American, 30%; 19,245 homozygotes.

Submissions (3):

GeneDx
Classification: Benign. Last evaluated: 2018-06-18. Review status: criteria provided, single submitter. Criteria: GeneDx Variant Classification Process June 2021. Collection method: clinical testing. Allele origin: germline. Affected: yes.

Illumina Laboratory Services, Illumina
Classification: Benign for Emery-Dreifuss muscular dystrophy 4, autosomal dominant. Last evaluated: 2018-01-13. Review status: criteria provided, single submitter. Criteria: ICSL Variant Classification Criteria 13 December 2019. Collection method: clinical testing. Allele origin: germline.
Comment: This variant was observed in the ICSL laboratory as part of a predisposition screen in an ostensibly healthy population. It had not been previously curated by ICSL or reported in the Human Gene Mutation Database (HGMD: prior to June 1st, 2018), and was therefore a candidate for classification through an automated scoring system. Utilizing variant allele frequency, disease prevalence and penetrance estimates, and inheritance mode, an automated score was calculated to assess if this variant is too frequent to cause the disease. Based on the score and internal cut-off values, a variant classified as benign is not then subjected to further curation. The score for this variant resulted in a classification of benign for this disease.

Illumina Laboratory Services, Illumina
Classification: Benign for Autosomal recessive ataxia, Beauce type. Last evaluated: 2018-01-13. Review status: criteria provided, single submitter. Criteria: ICSL Variant Classification Criteria 13 December 2019. Collection method: clinical testing. Allele origin: germline.
Comment: the same text as in the submission from Illumina Laboratory Services, Illumina above.